The following is an entry in ClinVar:

ClinVar aggregate classification (germline): Uncertain significance (1 of 4 stars; one submission).

Conditions:
Chédiak-Higashi syndrome (CHS). Also called: Chediak-Higashi Syndrome. Identifiers: Orphanet 167, MedGen C0007965, MONDO:0008963, OMIM 214500.

Allele frequency attached by ClinVar (database versions not stated): gnomAD exomes below 0.00001; ExAC 0.00001.
gnomAD v4.1: 2 of 1,613,302 alleles (0.00012%); highest among the groups gnomAD compares: South Asian, 0.0022%; no homozygotes.

Submission:

Labcorp Genetics (formerly Invitae), Labcorp
Classification: Uncertain significance for Chédiak-Higashi syndrome. Last evaluated: 2021-10-04. Review status: criteria provided, single submitter. Criteria: Invitae Variant Classification Sherloc (09022015). Collection method: clinical testing. Allele origin: germline.
Comment: This sequence change replaces methionine with isoleucine at codon 2842 of the LYST protein (p.Met2842Ile). The methionine residue is weakly conserved and there is a small physicochemical difference between methionine and isoleucine. The frequency data for this variant in the population databases is considered unreliable, as metrics indicate poor data quality at this position in the ExAC database. This variant has not been reported in the literature in individuals affected with LYST-related conditions. Algorithms developed to predict the effect of missense changes on protein structure and function output the following: SIFT: "Tolerated"; PolyPhen-2: "Benign"; Align-GVGD: "Class C0". The isoleucine amino acid residue is found in multiple mammalian species, which suggests that this missense change does not adversely affect protein function. In summary, the available evidence is currently insufficient to determine the role of this variant in disease. Therefore, it has been classified as a Variant of Uncertain Significance.

NM_000081.4(LYST):c.8526G>A (p.Met2842Ile)

Gene: LYST (lysosomal trafficking regulator; minus strand). Cytogenetic location: 1q42.3.
Variant type: single nucleotide variant.
Coding change: c.8526G>A on transcript NM_000081.4 (MANE Select); coding-DNA position 8526, G replaced by A.
Protein change: p.Met2842Ile; replaces methionine 2842 with isoleucine.
Molecular consequence: missense variant.
Genome position (GRCh38, 1-based): chr1:235,734,492, C>T on the plus strand (G>A on the coding strand, the complement: LYST is on the minus strand). VCF-style: chr1-235734492-C-T. GRCh37 (hg19) VCF-style: chr1-235897792-C-T.
Other names: c.8526G>A, p.Met2842Ile (NM_001301365.1); short protein forms M2842I.
Identifiers: ClinVar variation 1384534 (VCV001384534.3), dbSNP rs771914715, ClinGen allele CA1465843.